The following is an entry in ClinVar:

ClinVar aggregate classification (germline): Uncertain significance (1 of 4 stars; one submission).

Conditions:
Early-infantile DEE. Also called: Ohtahara syndrome; Early infantile epileptic encephalopathy; Early infantile epileptic encephalopathy with suppression bursts. Identifiers: Orphanet 1934, MedGen C0393706, MONDO:0800491.

Submission:

Labcorp Genetics (formerly Invitae), Labcorp
Classification: Uncertain significance for Early-infantile DEE. Last evaluated: 2024-08-12. Review status: criteria provided, single submitter. Criteria: Invitae Variant Classification Sherloc (09022015). Collection method: clinical testing. Allele origin: germline.
Comment: This sequence change replaces histidine, which is basic and polar, with arginine, which is basic and polar, at codon 178 of the KCNH5 protein (p.His178Arg). This variant is not present in population databases (gnomAD no frequency). This variant has not been reported in the literature in individuals affected with KCNH5-related conditions. ClinVar contains an entry for this variant (Variation ID: 1374009). Advanced modeling of protein sequence and biophysical properties (such as structural, functional, and spatial information, amino acid conservation, physicochemical variation, residue mobility, and thermodynamic stability) performed at Invitae indicates that this missense variant is not expected to disrupt KCNH5 protein function with a negative predictive value of 80%. In summary, the available evidence is currently insufficient to determine the role of this variant in disease. Therefore, it has been classified as a Variant of Uncertain Significance.

NM_139318.5(KCNH5):c.533A>G (p.His178Arg)

Gene: KCNH5 (potassium voltage-gated channel subfamily H member 5; minus strand). Cytogenetic location: 14q23.2.
Variant type: single nucleotide variant.
Coding change: c.533A>G on transcript NM_139318.5 (MANE Select); coding-DNA position 533, A replaced by G.
Protein change: p.His178Arg; replaces histidine 178 with arginine.
Molecular consequence: missense variant.
Genome position (GRCh38, 1-based): chr14:62,987,088, T>C on the plus strand (A>G on the coding strand, the complement: KCNH5 is on the minus strand). VCF-style: chr14-62987088-T-C. GRCh37 (hg19) VCF-style: chr14-63453806-T-C.
Other names: c.533A>G, p.His178Arg (NM_172375.3); short protein forms H178R.
Identifiers: ClinVar variation 1374009 (VCV001374009.9), dbSNP rs2139575209, ClinGen allele CA390104715.